The following is an entry in ClinVar:

ClinVar aggregate classification (germline): Uncertain significance. Review status: criteria provided, multiple submitters, no conflicts (2 of 4 stars). 2 submissions from 2 submitters: Uncertain significance (2). Last evaluated 2022-07-23.

Conditions:
Dilated cardiomyopathy 1JJ (CMD1JJ). Identifiers: Orphanet 154, MedGen C3808935, MONDO:0014095, OMIM 615235.
Cardiovascular phenotype. Identifiers: MedGen CN230736.

Submissions (2):

Ambry Genetics
Classification: Uncertain significance for Cardiovascular phenotype. Last evaluated: 2022-07-23. Review status: criteria provided, single submitter. Criteria: Ambry Variant Classification Scheme 2023. Collection method: clinical testing. Allele origin: germline.
Comment: The p.V350I variant (also known as c.1048G>A), located in coding exon 8 of the LAMA4 gene, results from a G to A substitution at nucleotide position 1048. The valine at codon 350 is replaced by isoleucine, an amino acid with highly similar properties. This amino acid position is poorly conserved in available vertebrate species. In addition, this alteration is predicted to be tolerated by in silico analysis. Since supporting evidence is limited at this time, the clinical significance of this alteration remains unclear.

Labcorp Genetics (formerly Invitae), Labcorp
Classification: Uncertain significance for Dilated cardiomyopathy 1JJ. Last evaluated: 2021-04-29. Review status: criteria provided, single submitter. Criteria: Invitae Variant Classification Sherloc (09022015). Collection method: clinical testing. Allele origin: germline.
Comment: This sequence change replaces valine with isoleucine at codon 350 of the LAMA4 protein (p.Val350Ile). The valine residue is weakly conserved and there is a small physicochemical difference between valine and isoleucine. In summary, the available evidence is currently insufficient to determine the role of this variant in disease. Therefore, it has been classified as a Variant of Uncertain Significance. Algorithms developed to predict the effect of missense changes on protein structure and function (SIFT, PolyPhen-2, Align-GVGD) all suggest that this variant is likely to be tolerated, but these predictions have not been confirmed by published functional studies and their clinical significance is uncertain. This variant has not been reported in the literature in individuals with LAMA4-related conditions. This variant is not present in population databases (ExAC no frequency).

NM_001105206.3(LAMA4):c.1069G>A (p.Val357Ile)

Gene: LAMA4 (laminin subunit alpha 4; minus strand). Cytogenetic location: 6q21.
Variant type: single nucleotide variant.
Coding change: c.1069G>A on transcript NM_001105206.3 (MANE Select); coding-DNA position 1069, G replaced by A.
Protein change: p.Val357Ile; replaces valine 357 with isoleucine.
Molecular consequence: missense variant.
Genome position (GRCh38, 1-based): chr6:112,185,245, C>T on the plus strand (G>A on the coding strand, the complement: LAMA4 is on the minus strand). VCF-style: chr6-112185245-C-T. GRCh37 (hg19) VCF-style: chr6-112506447-C-T.
Other names: c.1048G>A, p.Val350Ile (NM_001105207.3, NM_002290.5); short protein forms V357I, V350I.
Identifiers: ClinVar variation 1349776 (VCV001349776.10), dbSNP rs2114930469, ClinGen allele CA365374461.